The following is an entry in ClinVar:

NM_000038.6(APC):c.1286C>G (p.Pro429Arg)

Gene: APC (APC regulator of Wnt signaling pathway; plus strand). Cytogenetic location: 5q22.2.
Variant type: single nucleotide variant.
Coding change: c.1286C>G on transcript NM_000038.6 (MANE Select); coding-DNA position 1286, C replaced by G.
Protein change: p.Pro429Arg; replaces proline 429 with arginine.
Molecular consequence: missense variant. On other transcripts: non-coding transcript variant (2).
Genome position (GRCh38, 1-based): chr5:112,819,318, C>G. VCF-style: chr5-112819318-C-G. GRCh37 (hg19) VCF-style: chr5-112155015-C-G.
Other names: c.1286C>G (NM_000038.5); c.1286C>G, p.Pro429Arg (NM_001127510.3, NM_001354895.2, NM_001354896.2 and 4 more transcripts); c.1232C>G, p.Pro411Arg (NM_001127511.3); c.1316C>G, p.Pro439Arg (NM_001354897.2, NM_001407446.1); c.1211C>G, p.Pro404Arg (NM_001354898.2, NM_001407451.1); c.1202C>G, p.Pro401Arg (NM_001354899.2, NM_001407452.1); c.1109C>G, p.Pro370Arg (NM_001354900.2, NM_001407453.1, NM_001354901.2); c.983C>G, p.Pro328Arg (NM_001407454.1, NM_001407455.1, NM_001407456.1 and 5 more transcripts); and 6 more; short protein forms P303R, P338R, P411R, P439R, P300R, P401R, P404R, P146R.
Identifiers: ClinVar variation 2839890 (VCV002839890.4), dbSNP rs1003390887, ClinGen allele CA16024123.

ClinVar aggregate classification (germline): Uncertain significance. Review status: criteria provided, multiple submitters, no conflicts (2 of 4 stars). 2 submissions from 2 submitters: Uncertain significance (2). Last evaluated 2026-03-17.

Conditions:
Hereditary cancer-predisposing syndrome. Also called: Hereditary neoplastic syndrome; Neoplastic Syndromes, Hereditary; Tumor predisposition; Hereditary Cancer Syndrome. Identifiers: Orphanet 140162, MedGen C0027672, MeSH D009386, MONDO:0015356.
Familial adenomatous polyposis 1 (FAP1). Also called: POLYPOSIS, ADENOMATOUS INTESTINAL; FAMILIAL ADENOMATOUS POLYPOSIS 1, ATTENUATED. Identifiers: MedGen C2713442, MONDO:0021056, OMIM 175100. Disease mechanism: loss of function.

gnomAD v4.1: 1 of 1,614,018 alleles (0.000062%); highest among the groups gnomAD compares: Non-Finnish European, 0.000085%; no homozygotes.

Submissions (2):

Ambry Genetics
Classification: Uncertain significance for Hereditary cancer-predisposing syndrome. Last evaluated: 2026-03-17. Review status: criteria provided, single submitter. Criteria: Ambry Variant Classification Scheme 2023. Collection method: clinical testing. Allele origin: germline.
Comment: The p.P429R variant (also known as c.1286C>G), located in coding exon 9 of the APC gene, results from a C to G substitution at nucleotide position 1286. The proline at codon 429 is replaced by arginine, an amino acid with dissimilar properties. This amino acid position is conserved. In addition, in silico predictors for this gene do not accurately predict pathogenicity. Based on the available evidence, the clinical significance of this variant remains unclear.

Labcorp Genetics (formerly Invitae), Labcorp
Classification: Uncertain significance for Familial adenomatous polyposis 1. Last evaluated: 2024-04-06. Review status: criteria provided, single submitter. Criteria: Invitae Variant Classification Sherloc (09022015). Collection method: clinical testing. Allele origin: germline.
Comment: This sequence change replaces proline, which is neutral and non-polar, with arginine, which is basic and polar, at codon 429 of the APC protein (p.Pro429Arg). This variant is not present in population databases (gnomAD no frequency). This variant has not been reported in the literature in individuals affected with APC-related conditions. Advanced modeling of protein sequence and biophysical properties (such as structural, functional, and spatial information, amino acid conservation, physicochemical variation, residue mobility, and thermodynamic stability) performed at Invitae indicates that this missense variant is not expected to disrupt APC protein function with a negative predictive value of 95%. In summary, the available evidence is currently insufficient to determine the role of this variant in disease. Therefore, it has been classified as a Variant of Uncertain Significance.